The following is an entry in ClinVar:

NM_017671.5(FERMT1):c.1270G>A (p.Glu424Lys)

Gene: FERMT1 (FERM domain containing kindlin 1; minus strand). Cytogenetic location: 20p12.3.
Variant type: single nucleotide variant.
Coding change: c.1270G>A on transcript NM_017671.5 (MANE Select); coding-DNA position 1270, G replaced by A.
Protein change: p.Glu424Lys; replaces glutamic acid 424 with lysine.
Molecular consequence: missense variant.
Genome position (GRCh38, 1-based): chr20:6,087,878, C>T on the plus strand (G>A on the coding strand, the complement: FERMT1 is on the minus strand). VCF-style: chr20-6087878-C-T. GRCh37 (hg19) VCF-style: chr20-6068525-C-T.
Other names: short protein forms E424K.
Identifiers: ClinVar variation 1444431 (VCV001444431.4), dbSNP rs747141428, ClinGen allele CA9758189.

ClinVar aggregate classification (germline): Uncertain significance (1 of 4 stars; one submission).

Allele frequency attached by ClinVar (database versions not stated): ExAC 0.00006; gnomAD 0.00008 and 0.00009; gnomAD exomes 0.00010 and 0.00017; TOPMed 0.00010.
gnomAD v4.1: 251 of 1,594,994 alleles (0.016%); highest among the groups gnomAD compares: Admixed American, 0.027%; no homozygotes.

Submission:

Labcorp Genetics (formerly Invitae), Labcorp
Classification: Uncertain significance. Last evaluated: 2023-11-28. Review status: criteria provided, single submitter. Criteria: Invitae Variant Classification Sherloc (09022015). Collection method: clinical testing. Allele origin: germline.
Comment: This sequence change replaces glutamic acid, which is acidic and polar, with lysine, which is basic and polar, at codon 424 of the FERMT1 protein (p.Glu424Lys). This variant is present in population databases (rs747141428, gnomAD 0.03%). This variant has not been reported in the literature in individuals affected with FERMT1-related conditions. ClinVar contains an entry for this variant (Variation ID: 1444431). Advanced modeling of protein sequence and biophysical properties (such as structural, functional, and spatial information, amino acid conservation, physicochemical variation, residue mobility, and thermodynamic stability) performed at Invitae indicates that this missense variant is expected to disrupt FERMT1 protein function with a positive predictive value of 80%. In summary, the available evidence is currently insufficient to determine the role of this variant in disease. Therefore, it has been classified as a Variant of Uncertain Significance.